The following is an entry in ClinVar:

NM_004655.4(AXIN2):c.1688A>T (p.Glu563Val)

Gene: AXIN2 (axin 2; minus strand). Cytogenetic location: 17q24.1.
Variant type: single nucleotide variant.
Coding change: c.1688A>T on transcript NM_004655.4 (MANE Select); coding-DNA position 1688, A replaced by T.
Protein change: p.Glu563Val; replaces glutamic acid 563 with valine.
Molecular consequence: missense variant.
Genome position (GRCh38, 1-based): chr17:65,537,348, T>A on the plus strand (A>T on the coding strand, the complement: AXIN2 is on the minus strand). VCF-style: chr17-65537348-T-A. GRCh37 (hg19) VCF-style: chr17-63533466-T-A.
Other names: c.1688A>T, p.Glu563Val (NM_001363813.1); short protein forms E563V.
Identifiers: ClinVar variation 5032635 (VCV005032635.1).

ClinVar aggregate classification (germline): Uncertain significance (1 of 4 stars; one submission).

Conditions:
Hereditary cancer-predisposing syndrome. Also called: Neoplastic Syndromes, Hereditary; Tumor predisposition; Hereditary neoplastic syndrome; Hereditary Cancer Syndrome. Identifiers: Orphanet 140162, MedGen C0027672, MeSH D009386, MONDO:0015356.

Submission:

Ambry Genetics
Classification: Uncertain significance for Hereditary cancer-predisposing syndrome. Last evaluated: 2026-07-07. Review status: criteria provided, single submitter. Criteria: Ambry Variant Classification Scheme 2023. Collection method: clinical testing. Allele origin: germline.
Comment: The p.E563V variant (also known as c.1688A>T), located in coding exon 5 of the AXIN2 gene, results from an A to T substitution at nucleotide position 1688. The glutamic acid at codon 563 is replaced by valine, an amino acid with dissimilar properties. This amino acid position is conserved. In addition, this alteration is predicted to be tolerated by in silico analysis. Based on the available evidence, the clinical significance of this variant remains unclear.